The following is an entry in ClinVar:

NM_019066.5(MAGEL2):c.1430_1431insCGTGATCCGCCAGGCCCCACCCGTGATCCGCCAGGCCCCCCCTGTGATCCGCCAGGCCCCACCTGTGATCCGCCAGGCCCCACC (p.Pro491_Leu492insValIleArgGlnAlaProProValIleArgGlnAlaProProValIleArgGlnAlaProProValIleArgGlnAlaProPro)

Gene: MAGEL2 (MAGE family member L2; minus strand). Cytogenetic location: 15q11.2.
Variant type: Microsatellite.
Coding change: c.1430_1431insCGTGATCCGCCAGGCCCCACCCGTGATCCGCCAGGCCCCCCCTGTGATCCGCCAGGCCCCACCTGTGATCCGCCAGGCCCCACC on transcript NM_019066.5 (MANE Select); coding-DNA positions 1430 to 1431, CGTGATCCGCCAGGCCCCACCCGTGATCCGCCAGGCCCCCCCTGTGATCCGCCAGGCCCCACCTGTGATCCGCCAGGCCCCACC inserted.
Protein change: p.Pro491_Leu492insValIleArgGlnAlaProProValIleArgGlnAlaProProValIleArgGlnAlaProProValIleArgGlnAlaProPro.
Molecular consequence: inframe insertion.
Genome position: GRCh38: chr15:23,646,313-23,646,355. GRCh37 (hg19): chr15:23,891,460-23,891,502.
Identifiers: ClinVar variation 2033403 (VCV002033403.4).

ClinVar aggregate classification (germline): Uncertain significance (1 of 4 stars; one submission).

Submission:

Labcorp Genetics (formerly Invitae), Labcorp
Classification: Uncertain significance. Last evaluated: 2024-05-15. Review status: criteria provided, single submitter. Criteria: Invitae Variant Classification Sherloc (09022015). Collection method: clinical testing. Allele origin: germline.
Comment: This variant, c.1430_1431ins84, results in the insertion of 28 amino acid(s) of the MAGEL2 protein (p.Val464_Pro491dup), but otherwise preserves the integrity of the reading frame. This variant is not present in population databases (gnomAD no frequency). This variant has not been reported in the literature in individuals affected with MAGEL2-related conditions. Experimental studies and prediction algorithms are not available or were not evaluated, and the functional significance of this variant is currently unknown. In summary, the available evidence is currently insufficient to determine the role of this variant in disease. Therefore, it has been classified as a Variant of Uncertain Significance.